The following is an entry in ClinVar:

ClinVar aggregate classification (germline): Likely pathogenic (1 of 4 stars; one submission).

Conditions:
Dilated cardiomyopathy 1G (CMD1G). Identifiers: Orphanet 154, MedGen C1858763, MONDO:0011400, OMIM 604145.
Autosomal recessive limb-girdle muscular dystrophy type 2J (LGMDR10). Also called: Limb-girdle muscular dystrophy, type 2J; MUSCULAR DYSTROPHY, LIMB-GIRDLE, AUTOSOMAL RECESSIVE 10. Identifiers: Orphanet 140922, MedGen C1837342, MONDO:0012127, OMIM 608807.

Submission:

Labcorp Genetics (formerly Invitae), Labcorp
Classification: Likely pathogenic for Dilated cardiomyopathy 1G; Autosomal recessive limb-girdle muscular dystrophy type 2J. Last evaluated: 2023-12-19. Review status: criteria provided, single submitter. Criteria: Invitae Variant Classification Sherloc (09022015). Collection method: clinical testing. Allele origin: germline.
Comment: This sequence change creates a premature translational stop signal (p.Glu3185*) in the TTN gene. While this is not anticipated to result in nonsense mediated decay, it is expected to create a truncated TTN protein. This variant is not present in population databases (gnomAD no frequency). This variant has not been observed in the literature in individuals with autosomal recessive TTN-related conditions. This variant has been reported in individual(s) with autosomal dominant dilated cardiomyopathy (Invitae); however, the role of the variant in this condition is currently unclear. This variant is located in the I band of TTN (PMID: 25589632). Truncating variants in this region have been reported in individuals affected with autosomal recessive centronuclear myopathy (PMID: 23975875). Truncating variants in this region have also been identified in individuals affected with autosomal dominant dilated cardiomyopathy and/or cardio-related conditions (PMID: 27869827, 32964742). In summary, the currently available evidence indicates that the variant is pathogenic, but additional data are needed to prove that conclusively. Therefore, this variant has been classified as Likely Pathogenic.

Literature cited by the submitters: PubMed 25589632; PubMed 23975875; PubMed 27869827; PubMed 32964742.

NM_001267550.2(TTN):c.9553G>T (p.Glu3185Ter)

Gene: TTN (titin; minus strand). Cytogenetic location: 2q31.2.
Variant type: single nucleotide variant.
Coding change: c.9553G>T on transcript NM_001267550.2 (MANE Select); coding-DNA position 9553, G replaced by T.
Protein change: p.Glu3185Ter; replaces glutamic acid 3185 with a stop codon.
Molecular consequence: nonsense.
Genome position (GRCh38, 1-based): chr2:178,766,531, C>A on the plus strand (G>T on the coding strand, the complement: TTN is on the minus strand). VCF-style: chr2-178766531-C-A. GRCh37 (hg19) VCF-style: chr2-179631258-C-A.
Other names: c.9553G>T, p.Glu3185Ter (NM_001256850.1, NM_133378.4, NM_133379.5); c.9415G>T, p.Glu3139Ter (NM_003319.4, NM_133432.3, NM_133437.4); short protein forms E3139*, E3185*.
Identifiers: ClinVar variation 2921554 (VCV002921554.3), dbSNP rs2532273575, ClinGen allele CA349674902.